The following is an entry in ClinVar:

NM_021076.4(NEFH):c.2608C>T (p.Pro870Ser)

Gene: NEFH (neurofilament heavy chain; plus strand). Cytogenetic location: 22q12.2.
Variant type: single nucleotide variant.
Coding change: c.2608C>T on transcript NM_021076.4 (MANE Select); coding-DNA position 2608, C replaced by T.
Protein change: p.Pro870Ser; replaces proline 870 with serine.
Molecular consequence: missense variant.
Genome position (GRCh38, 1-based): chr22:29,490,248, C>T. VCF-style: chr22-29490248-C-T. GRCh37 (hg19) VCF-style: chr22-29886237-C-T.
Other names: short protein forms P870S.
Identifiers: ClinVar variation 1522289 (VCV001522289.10), dbSNP rs368835345, ClinGen allele CA323089145.
Genomic context (GRCh38, chr22:29,490,248, plus strand): 5'-ACACCAAAAACAGAGGAGAAGAAGGACAGCAAGAAAGAGGAGGCACCCAAGAAGGAGGCT[C>T]CAAAGCCCAAGGTGGAGGAGAAGAAGGAACCTGCTGTCGAAAAGCCCAAAGAATCCAAAG-3'
Protein context (NP_066554.2, residues 860-880): KKEEAPKKEA[Pro870Ser]KPKVEEKKEP

ClinVar aggregate classification (germline): Uncertain significance. Review status: criteria provided, multiple submitters, no conflicts (2 of 4 stars). 2 submissions from 2 submitters: Uncertain significance (2). Last evaluated 2024-07-01.

Conditions:
Inborn genetic diseases. Identifiers: MedGen C0950123, MeSH D030342.

Allele frequency attached by ClinVar (database versions not stated): TOPMed 0.00002; ESP Exome Variant Server 0.00008; gnomAD exomes 0.00001; gnomAD 0.00002.
gnomAD v4.1: 15 of 1,611,196 alleles (0.00093%); highest among the groups gnomAD compares: African/African-American, 0.0027%; no homozygotes.

Submissions (2):

Labcorp Genetics (formerly Invitae), Labcorp
Classification: Uncertain significance. Last evaluated: 2024-07-01. Review status: criteria provided, single submitter. Criteria: Invitae Variant Classification Sherloc (09022015). Collection method: clinical testing. Allele origin: germline.
Comment: This sequence change replaces proline, which is neutral and non-polar, with serine, which is neutral and polar, at codon 870 of the NEFH protein (p.Pro870Ser). This variant is present in population databases (rs368835345, gnomAD 0.002%). This missense change has been observed in individual(s) with clinical features of Charcot-Marie-Tooth disease (Invitae). ClinVar contains an entry for this variant (Variation ID: 1522289). Advanced modeling of protein sequence and biophysical properties (such as structural, functional, and spatial information, amino acid conservation, physicochemical variation, residue mobility, and thermodynamic stability) performed at Invitae indicates that this missense variant is not expected to disrupt NEFH protein function with a negative predictive value of 95%. In summary, the available evidence is currently insufficient to determine the role of this variant in disease. Therefore, it has been classified as a Variant of Uncertain Significance.

Ambry Genetics
Classification: Uncertain significance for Inborn genetic diseases. Last evaluated: 2021-09-27. Review status: criteria provided, single submitter. Criteria: Ambry Variant Classification Scheme 2023. Collection method: clinical testing. Allele origin: germline.
Comment: The p.P870S variant (also known as c.2608C>T), located in coding exon 4 of the NEFH gene, results from a C to T substitution at nucleotide position 2608. The proline at codon 870 is replaced by serine, an amino acid with similar properties. This amino acid position is not well conserved in available vertebrate species. In addition, this alteration is predicted to be tolerated by in silico analysis. Since supporting evidence is limited at this time, the clinical significance of this alteration remains unclear.